The following is an entry in ClinVar:

NM_005188.4(CBL):c.1849C>T (p.Arg617Trp)

Gene: CBL (Cbl proto-oncogene; plus strand). Cytogenetic location: 11q23.3.
Variant type: single nucleotide variant.
Coding change: c.1849C>T on transcript NM_005188.4 (MANE Select); coding-DNA position 1849, C replaced by T.
Protein change: p.Arg617Trp; replaces arginine 617 with tryptophan.
Molecular consequence: missense variant.
Genome position (GRCh38, 1-based): chr11:119,285,474, C>T. VCF-style: chr11-119285474-C-T. GRCh37 (hg19) VCF-style: chr11-119156184-C-T.
Other names: c.1849C>T (NM_005188.2); short protein forms R617W.
Identifiers: ClinVar variation 1514312 (VCV001514312.7), dbSNP rs538013681, ClinGen allele CA229642447.
Genomic context (GRCh38, chr11:119,285,474, plus strand): 5'-AAAGTACCAGTATCTGCCCCAAGTTCCAGTGATCCCTGGACAGGAAGAGAATTAACCAAC[C>T]GGCACTCACTTCCATTTTCATTGCCCTCACAAATGGAGCCCAGACCAGATGTGCCTAGGC-3'
Protein context (NP_005179.2, residues 607-627): DPWTGRELTN[Arg617Trp]HSLPFSLPSQ

ClinVar aggregate classification (germline): Uncertain significance. Review status: criteria provided, multiple submitters, no conflicts (2 of 4 stars). 2 submissions from 2 submitters: Uncertain significance (2). Last evaluated 2025-10-21.

Conditions:
Cardiovascular phenotype. Identifiers: MedGen CN230736.
RASopathy. Also called: rasopathies; Noonan spectrum disorder. Identifiers: Orphanet 536391, MedGen C5555857, MONDO:0021060.

Allele frequency attached by ClinVar (database versions not stated): gnomAD 0.00001; TOPMed 0.00002.
gnomAD v4.1: 31 of 1,614,004 alleles (0.0019%); highest among the groups gnomAD compares: Non-Finnish European, 0.0025%; no homozygotes.

Submissions (2):

Labcorp Genetics (formerly Invitae), Labcorp
Classification: Uncertain significance for RASopathy. Last evaluated: 2025-10-21. Review status: criteria provided, single submitter. Criteria: Invitae Variant Classification Sherloc (09022015). Collection method: clinical testing. Allele origin: germline.
Comment: This sequence change replaces arginine, which is basic and polar, with tryptophan, which is neutral and slightly polar, at codon 617 of the CBL protein (p.Arg617Trp). This variant is present in population databases (rs538013681, gnomAD 0.002%). This missense change has been observed in individual(s) with CBL-related conditions (PMID: 33850299). ClinVar contains an entry for this variant (Variation ID: 1514312). Invitae Evidence Modeling of protein sequence and biophysical properties (such as structural, functional, and spatial information, amino acid conservation, physicochemical variation, residue mobility, and thermodynamic stability) has been performed for this missense variant. However, the output from this modeling did not meet the statistical confidence thresholds required to predict the impact of this variant on CBL protein function. In summary, the available evidence is currently insufficient to determine the role of this variant in disease. Therefore, it has been classified as a Variant of Uncertain Significance.

Ambry Genetics
Classification: Uncertain significance for Cardiovascular phenotype. Last evaluated: 2023-04-09. Review status: criteria provided, single submitter. Criteria: Ambry Variant Classification Scheme 2023. Collection method: clinical testing. Allele origin: germline.
Comment: The p.R617W variant (also known as c.1849C>T), located in coding exon 11 of the CBL gene, results from a C to T substitution at nucleotide position 1849. The arginine at codon 617 is replaced by tryptophan, an amino acid with dissimilar properties. This amino acid position is conserved. In addition, the in silico prediction for this alteration is inconclusive. Since supporting evidence is limited at this time, the clinical significance of this alteration remains unclear.

Literature cited by the submitters: PubMed 33850299 (cited by Labcorp Genetics (formerly Invitae), Labcorp).